The following is an entry in ClinVar:

NM_000038.6(APC):c.920A>G (p.His307Arg)

Gene: APC (APC regulator of Wnt signaling pathway; plus strand). Cytogenetic location: 5q22.2.
Variant type: single nucleotide variant.
Coding change: c.920A>G on transcript NM_000038.6 (MANE Select); coding-DNA position 920, A replaced by G.
Protein change: p.His307Arg; replaces histidine 307 with arginine.
Molecular consequence: missense variant. On other transcripts: non-coding transcript variant (2).
Genome position (GRCh38, 1-based): chr5:112,815,580, A>G. VCF-style: chr5-112815580-A-G. GRCh37 (hg19) VCF-style: chr5-112151277-A-G.
Other names: c.920A>G, p.His307Arg (NM_001354895.2, NM_001354896.2, NM_001354903.2 and 12 more transcripts); c.950A>G, p.His317Arg (NM_001354897.2, NM_001354902.2, NM_001407446.1); c.845A>G, p.His282Arg (NM_001354898.2, NM_001354904.2, NM_001407451.1); c.836A>G, p.His279Arg (NM_001354899.2, NM_001407452.1, NM_001407467.1 and 1 more transcripts); c.743A>G, p.His248Arg (NM_001354900.2, NM_001354901.2, NM_001354905.2 and 1 more transcripts); c.71A>G, p.His24Arg (NM_001354906.2, NM_001407470.1, NM_001407471.1 and 1 more transcripts); c.866A>G, p.His289Arg (NM_001127511.3); short protein forms H289R, H279R, H24R, H282R, H317R, H248R, H307R.
Identifiers: ClinVar variation 3677217 (VCV003677217.2).

ClinVar aggregate classification (germline): Uncertain significance (1 of 4 stars; one submission).

Conditions:
Familial adenomatous polyposis 1 (FAP1). Also called: POLYPOSIS, ADENOMATOUS INTESTINAL; FAMILIAL ADENOMATOUS POLYPOSIS 1, ATTENUATED. Identifiers: MedGen C2713442, MONDO:0021056, OMIM 175100. Disease mechanism: loss of function.

gnomAD v4.1: 2 of 1,611,002 alleles (0.00012%); highest among the groups gnomAD compares: Non-Finnish European, 0.00017%; no homozygotes.

Submission:

Labcorp Genetics (formerly Invitae), Labcorp
Classification: Uncertain significance for Familial adenomatous polyposis 1. Last evaluated: 2024-10-19. Review status: criteria provided, single submitter. Criteria: Invitae Variant Classification Sherloc (09022015). Collection method: clinical testing. Allele origin: germline.
Comment: This sequence change replaces histidine, which is basic and polar, with arginine, which is basic and polar, at codon 307 of the APC protein (p.His307Arg). This variant is not present in population databases (gnomAD no frequency). This variant has not been reported in the literature in individuals affected with APC-related conditions. Invitae Evidence Modeling of protein sequence and biophysical properties (such as structural, functional, and spatial information, amino acid conservation, physicochemical variation, residue mobility, and thermodynamic stability) indicates that this missense variant is not expected to disrupt APC protein function with a negative predictive value of 95%. In summary, the available evidence is currently insufficient to determine the role of this variant in disease. Therefore, it has been classified as a Variant of Uncertain Significance.